The following is an entry in ClinVar:

ClinVar aggregate classification (germline): Pathogenic. Review status: criteria provided, multiple submitters, no conflicts (2 of 4 stars). 2 submissions from 2 submitters: Pathogenic (2). Last evaluated 2026-08-18.

Conditions:
Hereditary angioedema type 1 (HAE1). Identifiers: Orphanet 100050, Orphanet 100051, Orphanet 91378, MedGen C2717906, MONDO:0015053, OMIM 106100.

Submissions (2):

Scientific Centre of Obstetrics, Gynaecology and Perinatology, Ministry of Healthcare of the Republic of Kazakhstan
Classification: Pathogenic for Hereditary angioedema type 1. Last evaluated: 2026-08-18. Review status: criteria provided, single submitter. Criteria: ACMG Guidelines, 2015. Collection method: provider interpretation. Allele origin: germline. Inheritance: Autosomal dominant inheritance. Affected: yes. Observed: 1 variant allele, 1 heterozygote.
Comment: The NM_000062.3 c.846del is a frameshift variant in the SERPING1 gene, which is predicted to result in a premature stop codon (p.Ser283fs) and likely results in an absent or disrupted protein product (PVS1). This variant is not present in large population cohorts such as gnomAD (PM2). It has previously been reported in ClinVar as pathogenic in 5 affected individuals (VCV003252003.2). In summary, this variant meets criteria to be classified as pathogenic for hereditary angioedema type 1 based on the ACMG/AMP criteria applied: PVS1, PM2, PP4.

DNA-diagnostics Laboratory, Research Centre For Medical Genetics
Classification: Pathogenic for Hereditary angioedema type 1. Last evaluated: 2024-07-07. Review status: criteria provided, single submitter. Criteria: ACMG Guidelines, 2015. Collection method: research. Allele origin: germline. Inheritance: Autosomal dominant inheritance. Affected: yes. Observed: 5 variant alleles, 5 heterozygotes.
Comment: The c.846delC variant in SERPING1 meets ACMG/ClinGen SVI guidance criteria to be classified as pathogenic: PVS1, PP4_Str, PS4_Mod, PM2_Sup

NM_000062.3(SERPING1):c.846del (p.Ser283fs)

Gene: SERPING1 (serpin family G member 1; plus strand). Cytogenetic location: 11q12.1.
Variant type: Deletion.
Coding change: c.846del on transcript NM_000062.3 (MANE Select); coding-DNA position 846, one base deleted (C; older notation c.846delC).
Protein change: p.Ser283fs; shifts the reading frame from serine 283.
Molecular consequence: frameshift variant.
Genome position (GRCh38, 1-based): chr11:57,606,170, C deleted; the last of 3 consecutive C bases (chr11:57,606,168-57,606,170); deleting any one gives the same sequence. VCF-style (leftmost placement, unchanged base first): chr11-57606167-GC-G. GRCh37 (hg19) VCF-style: chr11-57373640-GC-G.
Other names: p.Ser283ProfsTer13; c.846delC (NM_000062.3); c.846del, p.Ser283fs (NM_001032295.2); short protein forms S283fs.
Identifiers: ClinVar variation 3252003 (VCV003252003.3), dbSNP rs2495441109.
Genomic context (GRCh38, chr11:57,606,167, plus strand): 5'-CATCAACACCTGGGTGGCCAAGAACACCAACAACAAGATCAGCCGGCTGCTAGACAGTCT[GC>G]CCTCCGATACCCGCCTTGTCCTCCTCAATGCTATCTACCTGAGTGGTAAGGGTGCCCTTA-3'